The following is an entry in ClinVar:

ClinVar aggregate classification (germline): Pathogenic (1 of 4 stars; one submission).

Conditions:
Neurofibromatosis, type 1 (NF1). Also called: VON RECKLINGHAUSEN DISEASE; NEUROFIBROMATOSIS, TYPE I, SOMATIC; Peripheral type neurofibromatosis; Neurofibromatosis, type I. Identifiers: Orphanet 636, MedGen C0027831, MONDO:0018975, OMIM 162200. Disease mechanism: loss of function.

Submission:

Labcorp Genetics (formerly Invitae), Labcorp
Classification: Pathogenic for Neurofibromatosis, type 1. Last evaluated: 2021-08-12. Review status: criteria provided, single submitter. Criteria: Invitae Variant Classification Sherloc (09022015). Collection method: clinical testing. Allele origin: germline.
Comment: This variant is a gross deletion of the genomic region encompassing exon(s) 30-57 of the NF1 gene, which includes the termination codon. This deletion extends beyond the assayed region for this gene and therefore may encompass additional genes. While this deletion is not anticipated to lead to nonsense mediated decay, it is expected to alter mRNA translation or result in a truncated protein product. This variant has not been reported in the literature in individuals affected with NF1-related conditions. This variant disrupts a region of the NF1 protein in which other variant(s) (Deletion (Exons 36-57)) have been determined to be pathogenic (Invitae). This suggests that this is a clinically significant region of the protein, and that variants that disrupt it are likely to be disease-causing. For these reasons, this variant has been classified as Pathogenic.

NC_000017.11:g.(?_31248974)_(31374165_?)del

Genes: EVI2B (ecotropic viral integration site 2B; minus strand), EVI2A (ecotropic viral integration site 2A; minus strand), NF1 (neurofibromin 1; plus strand), OMG (oligodendrocyte myelin glycoprotein; minus strand), LOC108281182 (NF1 intron 50 Alu-mediated recombination region; plus strand) and 4 more. Cytogenetic location: 17q11.2.
Variant type: Deletion.
Identifiers: ClinVar variation 660684 (VCV000660684.2).